The following is an entry in ClinVar:

NM_000038.6(APC):c.1986_2013del (p.Gln663fs)

Gene: APC (APC regulator of Wnt signaling pathway; plus strand). Cytogenetic location: 5q22.2.
Variant type: Deletion.
Coding change: c.1986_2013del on transcript NM_000038.6 (MANE Select); coding-DNA positions 1986 to 2013, 28 bases deleted (ACAAACTTTATTACAACACTTAAAATCT).
Protein change: p.Gln663fs; shifts the reading frame from glutamine 663.
Molecular consequence: frameshift variant. On other transcripts: non-coding transcript variant (2).
Genome position (GRCh38, 1-based): chr5:112,837,580-112,837,607, ACAAACTTTATTACAACACTTAAAATCT deleted; deleting any 28 consecutive bases within chr5:112,837,577-112,837,607 gives the same sequence; the c. name uses the placement nearest the transcript's 3' end. VCF-style (leftmost placement, unchanged base first): chr5-112837576-GTCTACAAACTTTATTACAACACTTAAAA-G. GRCh37 (hg19) VCF-style: chr5-112173273-GTCTACAAACTTTATTACAACACTTAAAA-G.
Other names: c.1986_2013del, p.Gln663fs (NM_001127510.3, NM_001354895.2, NM_001407450.1); c.1932_1959del, p.Gln645fs (NM_001127511.3); c.2040_2067del, p.Gln681fs (NM_001354896.2, NM_001407447.1, NM_001407448.1 and 1 more transcripts); c.2016_2043del, p.Gln673fs (NM_001354897.2); c.1911_1938del, p.Gln638fs (NM_001354898.2); c.1902_1929del, p.Gln635fs (NM_001354899.2); c.1863_1890del, p.Gln622fs (NM_001354900.2); c.1809_1836del, p.Gln604fs (NM_001354901.2, NM_001407453.1); and 11 more; short protein forms Q279fs, Q380fs, Q503fs, Q534fs, Q537fs, Q562fs, Q572fs, Q580fs.
Identifiers: ClinVar variation 2583786 (VCV002583786.1), dbSNP rs2533389342, ClinGen allele CA2582341409.

ClinVar aggregate classification (germline): Pathogenic (1 of 4 stars; one submission).

Conditions:
Familial adenomatous polyposis 1 (FAP1). Also called: FAMILIAL ADENOMATOUS POLYPOSIS 1, ATTENUATED; POLYPOSIS, ADENOMATOUS INTESTINAL. Identifiers: MedGen C2713442, MONDO:0021056, OMIM 175100. Disease mechanism: loss of function.

Submission:

Myriad Genetics, Inc.
Classification: Pathogenic for Familial adenomatous polyposis 1. Last evaluated: 2023-05-03. Review status: criteria provided, single submitter. Criteria: Myriad Autosomal Dominant, Autosomal Recessive and X-Linked Classification Criteria (2023). Collection method: clinical testing. Allele origin: unknown.
Comment: This variant is considered pathogenic. This variant creates a frameshift predicted to result in premature protein truncation.